The following is an entry in ClinVar:

NM_182476.3(COQ6):c.982G>A (p.Ala328Thr)

Genes: COQ6 (coenzyme Q6, monooxygenase; plus strand), ENTPD5 (ectonucleoside triphosphate diphosphohydrolase 5; minus strand). Cytogenetic location: 14q24.3.
Variant type: single nucleotide variant.
Coding change: c.982G>A on transcript NM_182476.3 (MANE Select); coding-DNA position 982, G replaced by A.
Protein change: p.Ala328Thr; replaces alanine 328 with threonine.
Molecular consequence: missense variant. On other transcripts: 3 prime UTR variant (1), intron variant (5).
Genome position (GRCh38, 1-based): chr14:73,961,263, G>A. VCF-style: chr14-73961263-G-A. GRCh37 (hg19) VCF-style: chr14-74427966-G-A.
Other names: p.A328T:GCT>ACT; c.982G>A, p.Ala328Thr (NM_001425255.1); c.874G>A, p.Ala292Thr (NM_001425256.1); c.817G>A, p.Ala273Thr (NM_001425257.1); c.799G>A, p.Ala267Thr (NM_001425258.1); c.757G>A, p.Ala253Thr (NM_001425259.1, NM_001425260.1, NM_001425261.1); c.727G>A, p.Ala243Thr (NM_001425262.1); c.655G>A, p.Ala219Thr (NM_001425263.1); and 6 more; short protein forms A303T, A328T.
Identifiers: ClinVar variation 214233 (VCV000214233.10), dbSNP rs564107029, ClinGen allele CA321119.

ClinVar aggregate classification (germline): Conflicting classifications of pathogenicity. Review status: criteria provided, conflicting classifications (1 of 4 stars). 2 submissions from 2 submitters: Uncertain significance (1); Likely benign (1). Last evaluated 2025-11-18.

Allele frequency attached by ClinVar (database versions not stated): TOPMed 0.00004; gnomAD 0.00001 and 0.00006; gnomAD exomes 0.00014 and 0.00029; ExAC 0.00031; 1000 Genomes Project 0.00020; 1000 Genomes Project 30x 0.00016.
gnomAD v4.1: 208 of 1,614,118 alleles (0.013%); highest among the groups gnomAD compares: South Asian, 0.21%; 3 homozygotes.

Submissions (2):

Labcorp Genetics (formerly Invitae), Labcorp
Classification: Likely benign. Last evaluated: 2025-11-18. Review status: criteria provided, single submitter. Criteria: Invitae Variant Classification Sherloc (09022015). Collection method: clinical testing. Allele origin: germline.

GeneDx
Classification: Uncertain significance. Last evaluated: 2017-09-21. Review status: criteria provided, single submitter. Criteria: GeneDx Variant Classification (06012015). Collection method: clinical testing. Allele origin: germline. Affected: yes.
Comment: p.Ala328Thr (GCT>ACT): c.982 G>A in exon 9 of the COQ6 gene (NM_182476.2). The A328T variant has not been published as a mutation, nor has it been reported as a benign polymorphism to our knowledge. The A328T variant is a non-conservative amino acid substitution, which is likely to impact secondary protein structure as these residues differ in polarity, charge, size and/or other properties. This substitution occurs at a position that is conserved in mammals. In silico analysis predicts this variant likely does not alter the protein structure/function. Therefore, based on the currently available information, it is unclear whether this variant is a pathogenic mutation or a rare benign variant. The variant is found in MITONUC-MITOP panel(s).